The following is an entry in ClinVar:

ClinVar aggregate classification (germline): Uncertain significance (1 of 4 stars; one submission).

Submission:

GeneDx
Classification: Uncertain significance. Last evaluated: 2018-03-28. Review status: criteria provided, single submitter. Criteria: GeneDx Variant Classification (06012015). Collection method: clinical testing. Allele origin: germline. Affected: yes.
Comment: The D697A variant has not been published as a pathogenic variant, nor has it been reported as a benign variant to our knowledge. The D697A variant is not observed in large population cohorts (Lek et al., 2016). This variant is a non-conservative amino acid substitution, which is likely to impact secondary protein structure as these residues differ in polarity, charge, size and/or other properties. However, in-silico analyses, including protein predictors and evolutionary conservation, support that this variant does not alter protein structure/function.

NM_005188.4(CBL):c.2090A>C (p.Asp697Ala)

Gene: CBL (Cbl proto-oncogene; plus strand). Cytogenetic location: 11q23.3.
Variant type: single nucleotide variant.
Coding change: c.2090A>C on transcript NM_005188.4 (MANE Select); coding-DNA position 2090, A replaced by C.
Protein change: p.Asp697Ala; replaces aspartic acid 697 with alanine.
Molecular consequence: missense variant.
Genome position (GRCh38, 1-based): chr11:119,296,971, A>C. VCF-style: chr11-119296971-A-C. GRCh37 (hg19) VCF-style: chr11-119167681-A-C.
Other names: short protein forms D697A.
Identifiers: ClinVar variation 561782 (VCV000561782.1), dbSNP rs1565272122, ClinGen allele CA382926874.